The following is an entry in ClinVar:

ClinVar aggregate classification (germline): Benign. Review status: criteria provided, multiple submitters, no conflicts (2 of 4 stars). 5 submissions from 3 submitters: Benign (5). Last evaluated 2021-08-19.

Conditions:
Multiple epiphyseal dysplasia, Al-Gazali type. Also called: Macrocephaly with multiple epiphyseal dysplasia and distinctive facies. Identifiers: Orphanet 166024, MedGen C1846722, MONDO:0011778, OMIM 607131.
Acrocallosal syndrome (ACLS). Also called: HALLUX DUPLICATION, POSTAXIAL POLYDACTYLY, AND ABSENCE OF CORPUS CALLOSUM; Schinzel syndrome 1; Absence of corpus callosum with unusual facial appearance, mental deficiency, duplication of the halluces and polydactyly. Identifiers: Orphanet 36, MedGen C0796147, MONDO:0008708, OMIM 200990.
Hydrolethalus syndrome 2 (HLS2). Identifiers: Orphanet 2189, MedGen C3279899, MONDO:0013585, OMIM 614120.

Allele frequency attached by ClinVar (database versions not stated): TOPMed 0.24594; gnomAD 0.24857 and 0.25525; ESP Exome Variant Server 0.24988; 1000 Genomes Project 30x 0.26218; 1000 Genomes Project 0.26717.
gnomAD v4.1: 508,133 of 1,600,320 alleles (32%); highest among the groups gnomAD compares: Middle Eastern, 38%; 83,692 homozygotes.

Submissions (5):

Genome-Nilou Lab
Classification: Benign for Multiple epiphyseal dysplasia, Al-Gazali type. Last evaluated: 2021-08-19. Review status: criteria provided, single submitter. Criteria: ACMG Guidelines, 2015. Collection method: clinical testing. Allele origin: germline. Affected: no.

Genome-Nilou Lab
Classification: Benign for Hydrolethalus syndrome 2. Last evaluated: 2021-08-19. Review status: criteria provided, single submitter. Criteria: ACMG Guidelines, 2015. Collection method: clinical testing. Allele origin: germline. Affected: no.

Genome-Nilou Lab
Classification: Benign for Acrocallosal syndrome. Last evaluated: 2021-08-19. Review status: criteria provided, single submitter. Criteria: ACMG Guidelines, 2015. Collection method: clinical testing. Allele origin: germline. Affected: no.

GeneDx
Classification: Benign. Last evaluated: 2018-06-16. Review status: criteria provided, single submitter. Criteria: GeneDx Variant Classification (06012015). Collection method: clinical testing. Allele origin: germline. Affected: yes.
Comment: This variant is considered likely benign or benign based on one or more of the following criteria: it is a conservative change, it occurs at a poorly conserved position in the protein, it is predicted to be benign by multiple in silico algorithms, and/or has population frequency not consistent with disease.

Breakthrough Genomics
Classification: Benign. Review status: criteria provided, single submitter. Criteria: ACMG Guidelines, 2015. Collection method: not provided. Allele origin: germline. Inheritance: Autosomal recessive inheritance. Affected: yes.

NM_198525.3(KIF7):c.3319-30A>C

Genes: KIF7 (kinesin family member 7; minus strand), LOC126862216 (BRD4-independent group 4 enhancer GRCh37_chr15:90171995-90173194; plus strand). Cytogenetic location: 15q26.1.
Variant type: single nucleotide variant.
Coding change: c.3319-30A>C on transcript NM_198525.3 (MANE Select); 30 bases into the intron before coding-DNA position 3319, A replaced by C.
Molecular consequence: intron variant.
Genome position (GRCh38, 1-based): chr15:89,629,603, T>G on the plus strand (A>C on the coding strand, the complement: KIF7 is on the minus strand). VCF-style: chr15-89629603-T-G. GRCh37 (hg19) VCF-style: chr15-90172834-T-G.
Identifiers: ClinVar variation 673962 (VCV000673962.4), dbSNP rs72750748, ClinGen allele CA7727748.